The following is an entry in ClinVar:

NM_001127178.3(PIGG):c.486A>T (p.Gly162=)

Gene: PIGG (phosphatidylinositol glycan anchor biosynthesis class G (EMM blood group); plus strand). Cytogenetic location: 4p16.3.
Variant type: single nucleotide variant.
Coding change: c.486A>T on transcript NM_001127178.3 (MANE Select); coding-DNA position 486, A replaced by T.
Protein change: p.Gly162=; no amino-acid change (glycine 162 retained).
Molecular consequence: synonymous variant. On other transcripts: 5 prime UTR variant (4), non-coding transcript variant (10), intron variant (1).
Genome position (GRCh38, 1-based): chr4:505,843, A>T. VCF-style: chr4-505843-A-T. GRCh37 (hg19) VCF-style: chr4-499632-A-T.
Other names: c.219A>T, p.Gly73= (NM_001289051.2, NM_001289053.2, NM_001289057.2 and 2 more transcripts); c.120A>T, p.Gly40= (NM_001289055.2); c.-402A>T (NM_001345988.2); c.486A>T, p.Gly162= (NM_001345989.2, NM_017733.5); c.-1140A>T (NM_001345990.2); c.-1002A>T (NM_001345991.2); c.-727A>T (NM_001345994.2); c.361-2986A>T (NM_001289052.2); and 1 more.
Identifiers: ClinVar variation 1038825 (VCV001038825.10), dbSNP rs373360708, ClinGen allele CA355895302.

ClinVar aggregate classification (germline): Likely benign. Review status: criteria provided, single submitter (1 of 4 stars). 2 submissions from 2 submitters: Likely benign (1). 1 of the submissions does not count toward it. Last evaluated 2025-11-17.

Conditions:
Intellectual disability, autosomal recessive 53 (NEDHSCA). Also called: GLYCOSYLPHOSPHATIDYLINOSITOL BIOSYNTHESIS DEFECT 13; Mental retardation, autosomal recessive 53; NEURODEVELOPMENTAL DISORDER WITH OR WITHOUT HYPOTONIA, SEIZURES, AND CEREBELLAR ATROPHY. Identifiers: Orphanet 488635, MedGen C4310794, MONDO:0014832, OMIM 616917.
PIGG-related disorder. Also called: PIGG-related condition.

Allele frequency attached by ClinVar (database versions not stated): gnomAD 0.00004 and 0.00003; TOPMed 0.00003; ESP Exome Variant Server 0.00008.
gnomAD v4.1: 13 of 1,613,234 alleles (0.00081%); highest among the groups gnomAD compares: African/African-American, 0.016%; no homozygotes.

Submissions (2):

Labcorp Genetics (formerly Invitae), Labcorp
Classification: Likely benign for Intellectual disability, autosomal recessive 53. Last evaluated: 2025-11-17. Review status: criteria provided, single submitter. Criteria: Invitae Variant Classification Sherloc (09022015). Collection method: clinical testing. Allele origin: germline.

PreventionGenetics, part of Exact Sciences
Classification: Likely benign for PIGG-related condition. Last evaluated: 2024-06-21. Review status: no assertion criteria provided. Collection method: clinical testing. Allele origin: germline. Not counted in ClinVar's aggregate classification.
Comment: This variant is classified as likely benign based on ACMG/AMP sequence variant interpretation guidelines (Richards et al. 2015 PMID: 25741868, with internal and published modifications).